The following is an entry in ClinVar:

ClinVar aggregate classification (germline): Uncertain significance (1 of 4 stars; one submission).

Conditions:
Cognitive impairment - coarse facies - heart defects - obesity - pulmonary involvement - short stature - skeletal dysplasia syndrome. Also called: COGNITIVE IMPAIRMENT, COARSE FACIES, HEART DEFECTS, OBESITY, PULMONARY INVOLVEMENT, SHORT STATURE, AND SKELETAL DYSPLASIA; Chops syndrome; AFF4-Related CHOPS Syndrome. Identifiers: Orphanet 444077, MedGen C4085597, MONDO:0014609, OMIM 616368.

gnomAD v4.1: 11 of 1,614,216 alleles (0.00068%); highest among the groups gnomAD compares: Non-Finnish European, 0.00085%; no homozygotes.

Submission:

Labcorp Genetics (formerly Invitae), Labcorp
Classification: Uncertain significance for Cognitive impairment - coarse facies - heart defects - obesity - pulmonary involvement - short stature - skeletal dysplasia syndrome. Last evaluated: 2024-12-18. Review status: criteria provided, single submitter. Criteria: Invitae Variant Classification Sherloc (09022015). Collection method: clinical testing. Allele origin: germline.
Comment: This sequence change replaces serine, which is neutral and polar, with glycine, which is neutral and non-polar, at codon 542 of the AFF4 protein (p.Ser542Gly). This variant is not present in population databases (gnomAD no frequency). This variant has not been reported in the literature in individuals affected with AFF4-related conditions. Invitae Evidence Modeling of protein sequence and biophysical properties (such as structural, functional, and spatial information, amino acid conservation, physicochemical variation, residue mobility, and thermodynamic stability) indicates that this missense variant is not expected to disrupt AFF4 protein function with a negative predictive value of 80%. In summary, the available evidence is currently insufficient to determine the role of this variant in disease. Therefore, it has been classified as a Variant of Uncertain Significance.

NM_014423.4(AFF4):c.1624A>G (p.Ser542Gly)

Gene: AFF4 (ALF transcription elongation factor 4; minus strand). Cytogenetic location: 5q31.1.
Variant type: single nucleotide variant.
Coding change: c.1624A>G on transcript NM_014423.4 (MANE Select); coding-DNA position 1624, A replaced by G.
Protein change: p.Ser542Gly; replaces serine 542 with glycine.
Molecular consequence: missense variant.
Genome position (GRCh38, 1-based): chr5:132,897,006, T>C on the plus strand (A>G on the coding strand, the complement: AFF4 is on the minus strand). VCF-style: chr5-132897006-T-C. GRCh37 (hg19) VCF-style: chr5-132232698-T-C.
Other names: short protein forms S542G.
Identifiers: ClinVar variation 3719076 (VCV003719076.2).
Genomic context (GRCh38, chr5:132,897,006, plus strand): 5'-CAGTTCTTCTCTGTGTTGTGCTGTCACTCTGTGCAGGAGATTTCTGCCTCCCACGCCCAC[T>C]TTCTGATCCCTTTTGGATGGTTTTGGAGTCTCGTCCCGGAGTAGCGGAACTCGTTTCTTT-3'
Protein context (NP_055238.1, residues 532-552): DSKTIQKGSE[Ser542Gly]GRGRQKSPAQ